The following is an entry in ClinVar:

ClinVar aggregate classification (germline): Uncertain significance. Review status: criteria provided, multiple submitters, no conflicts (2 of 4 stars). 2 submissions from 2 submitters: Uncertain significance (2). Last evaluated 2021-09-24.

Conditions:
3M syndrome 1. Also called: 3-M Syndrome, CUL7-Related. Identifiers: Orphanet 2616, MedGen C2678312, MONDO:0010117, OMIM 273750.

Allele frequency attached by ClinVar (database versions not stated): TOPMed 0.00003; gnomAD 0.00005 and 0.00015; ESP Exome Variant Server 0.00008; gnomAD exomes 0.00010 and 0.00030; ExAC 0.00012; 1000 Genomes Project 30x 0.00062; 1000 Genomes Project 0.00080.
gnomAD v4.1: 455 of 1,614,126 alleles (0.028%); highest among the groups gnomAD compares: East Asian, 0.93%; 4 homozygotes.

Submissions (2):

Labcorp Genetics (formerly Invitae), Labcorp
Classification: Uncertain significance. Last evaluated: 2021-09-24. Review status: criteria provided, single submitter. Criteria: Invitae Variant Classification Sherloc (09022015). Collection method: clinical testing. Allele origin: germline.
Comment: This sequence change replaces arginine with cysteine at codon 623 of the CUL7 protein (p.Arg623Cys). The arginine residue is weakly conserved and there is a large physicochemical difference between arginine and cysteine. This variant is present in population databases (rs147775109, ExAC 0.2%). This variant has not been reported in the literature in individuals affected with CUL7-related conditions. ClinVar contains an entry for this variant (Variation ID: 910326). Algorithms developed to predict the effect of missense changes on protein structure and function (SIFT, PolyPhen-2, Align-GVGD) all suggest that this variant is likely to be tolerated. In summary, the available evidence is currently insufficient to determine the role of this variant in disease. Therefore, it has been classified as a Variant of Uncertain Significance.

Illumina Laboratory Services, Illumina
Classification: Uncertain significance for 3M syndrome 1. Last evaluated: 2018-01-13. Review status: criteria provided, single submitter. Criteria: ICSL Variant Classification Criteria 13 December 2019. Collection method: clinical testing. Allele origin: germline.

NM_014780.5(CUL7):c.1867C>T (p.Arg623Cys)

Gene: CUL7 (cullin 7; minus strand). Cytogenetic location: 6p21.1.
Variant type: single nucleotide variant.
Coding change: c.1867C>T on transcript NM_014780.5 (MANE Select); coding-DNA position 1867, C replaced by T.
Protein change: p.Arg623Cys; replaces arginine 623 with cysteine.
Molecular consequence: missense variant.
Genome position (GRCh38, 1-based): chr6:43,048,528, G>A on the plus strand (C>T on the coding strand, the complement: CUL7 is on the minus strand). VCF-style: chr6-43048528-G-A. GRCh37 (hg19) VCF-style: chr6-43016266-G-A.
Other names: c.1963C>T, p.Arg655Cys (NM_001168370.2, NM_001374872.1); c.1867C>T, p.Arg623Cys (NM_001374873.1, NM_001374874.1); short protein forms R623C, R655C.
Identifiers: ClinVar variation 910326 (VCV000910326.8), dbSNP rs147775109, ClinGen allele CA3814046.